The following is an entry in ClinVar:

ClinVar aggregate classification (germline): Pathogenic (1 of 4 stars; one submission).

Conditions:
Deficiency of hydroxymethylglutaryl-CoA lyase (HMGCLD). Also called: HMGCL DEFICIENCY; HYDROXYMETHYLGLUTARIC ACIDURIA; Defect in leucine metabolism; 3-hydroxy-3-methylglutaric aciduria; HMG-CoA LYASE DEFICIENCY. Identifiers: Orphanet 20, MedGen C1533587, MONDO:0009520, OMIM 246450.

Submission:

Labcorp Genetics (formerly Invitae), Labcorp
Classification: Pathogenic for Deficiency of hydroxymethylglutaryl-CoA lyase. Last evaluated: 2024-02-20. Review status: criteria provided, single submitter. Criteria: Invitae Variant Classification Sherloc (09022015). Collection method: clinical testing. Allele origin: germline.
Comment: This sequence change creates a premature translational stop signal (p.Lys179Argfs*7) in the HMGCL gene. It is expected to result in an absent or disrupted protein product. Loss-of-function variants in HMGCL are known to be pathogenic (PMID: 9817922, 17692550, 23465862). This variant is not present in population databases (gnomAD no frequency). This variant has not been reported in the literature in individuals affected with HMGCL-related conditions. For these reasons, this variant has been classified as Pathogenic.

Literature cited by the submitters: PubMed 9817922; PubMed 17692550; PubMed 23465862.

NM_000191.3(HMGCL):c.534del (p.Lys179fs)

Gene: HMGCL (3-hydroxy-3-methylglutaryl-CoA lyase; minus strand). Cytogenetic location: 1p36.11.
Variant type: Deletion.
Coding change: c.534del on transcript NM_000191.3 (MANE Select); coding-DNA position 534, one base deleted (G; older notation c.534delG).
Protein change: p.Lys179fs; shifts the reading frame from lysine 179.
Molecular consequence: frameshift variant. On other transcripts: intron variant (1).
Genome position (GRCh38, 1-based): chr1:23,810,763, C deleted on the plus strand (G on the coding strand, the reverse complement: HMGCL is on the minus strand); the first of 3 consecutive C bases (chr1:23,810,763-23,810,765); deleting any one gives the same sequence. VCF-style (leftmost placement, unchanged base first): chr1-23810762-TC-T. GRCh37 (hg19) VCF-style: chr1-24137252-TC-T.
Other names: c.349-2440del (NM_001166059.2); short protein forms K179fs.
Identifiers: ClinVar variation 3642226 (VCV003642226.2).